The following is an entry in ClinVar:

NM_005618.4(DLL1):c.1597A>G (p.Thr533Ala)

Gene: DLL1 (delta like canonical Notch ligand 1; minus strand). Cytogenetic location: 6q27.
Variant type: single nucleotide variant.
Coding change: c.1597A>G on transcript NM_005618.4 (MANE Select); coding-DNA position 1597, A replaced by G.
Protein change: p.Thr533Ala; replaces threonine 533 with alanine.
Molecular consequence: missense variant.
Genome position (GRCh38, 1-based): chr6:170,283,682, T>C on the plus strand (A>G on the coding strand, the complement: DLL1 is on the minus strand). VCF-style: chr6-170283682-T-C. GRCh37 (hg19) VCF-style: chr6-170592770-T-C.
Other names: c.1597A>G (NM_005618.3); short protein forms T533A.
Identifiers: ClinVar variation 1490397 (VCV001490397.9), dbSNP rs2114958204, ClinGen allele CA366506937.
Genomic context (GRCh38, chr6:170,283,682, plus strand): 5'-TGACCCCGGCGCACACGGCCACCCAGGGGAATGGCCCGCCCTGGCCCTCTAGCTTCTCAG[T>C]GAGGTCCACCACCGCTGGGCCCGGGGGCAGCTCGGGGAGCAGGAACTGGCAGTTGGGACC-3'
Protein context (NP_005609.3, residues 523-543): LPPGPAVVDL[Thr533Ala]EKLEGQGGPF

ClinVar aggregate classification (germline): Uncertain significance. Review status: criteria provided, multiple submitters, no conflicts (2 of 4 stars). 2 submissions from 2 submitters: Uncertain significance (2). Last evaluated 2025-10-31.

Allele frequency attached by ClinVar (database versions not stated): gnomAD exomes 0.00001.
gnomAD v4.1: 7 of 1,569,346 alleles (0.00045%); highest among the groups gnomAD compares: Non-Finnish European, 0.0006%; no homozygotes.

Submissions (2):

GeneDx
Classification: Uncertain significance. Last evaluated: 2025-10-31. Review status: criteria provided, single submitter. Criteria: GeneDx Variant Classification Process June 2021. Collection method: clinical testing. Allele origin: germline. Affected: yes.
Comment: Not observed at significant frequency in large population cohorts (gnomAD); In silico analysis suggests that this missense variant does not alter protein structure/function; Has not been previously published as pathogenic or benign to our knowledge

Labcorp Genetics (formerly Invitae), Labcorp
Classification: Uncertain significance. Last evaluated: 2024-06-22. Review status: criteria provided, single submitter. Criteria: Invitae Variant Classification Sherloc (09022015). Collection method: clinical testing. Allele origin: germline.
Comment: This sequence change replaces threonine, which is neutral and polar, with alanine, which is neutral and non-polar, at codon 533 of the DLL1 protein (p.Thr533Ala). This variant is not present in population databases (gnomAD no frequency). This variant has not been reported in the literature in individuals affected with DLL1-related conditions. ClinVar contains an entry for this variant (Variation ID: 1490397). An algorithm developed to predict the effect of missense changes on protein structure and function (PolyPhen-2) suggests that this variant is likely to be tolerated. In summary, the available evidence is currently insufficient to determine the role of this variant in disease. Therefore, it has been classified as a Variant of Uncertain Significance.